The following is an entry in ClinVar:

NM_002941.4(ROBO1):c.537C>T (p.Val179=)

Gene: ROBO1 (roundabout guidance receptor 1; minus strand). Cytogenetic location: 3p12.3.
Variant type: single nucleotide variant.
Coding change: c.537C>T on transcript NM_002941.4 (MANE Select); coding-DNA position 537, C replaced by T.
Protein change: p.Val179=; no amino-acid change (valine 179 retained).
Molecular consequence: synonymous variant.
Genome position (GRCh38, 1-based): chr3:78,746,863, G>A on the plus strand (C>T on the coding strand, the complement: ROBO1 is on the minus strand). VCF-style: chr3-78746863-G-A. GRCh37 (hg19) VCF-style: chr3-78796013-G-A.
Other names: c.420C>T, p.Val140= (NM_001145845.2, NM_133631.4).
Identifiers: ClinVar variation 714202 (VCV000714202.13), dbSNP rs182868474, ClinGen allele CA2499223.

ClinVar aggregate classification (germline): Benign/Likely benign. Review status: criteria provided, multiple submitters, no conflicts (2 of 4 stars). 3 submissions from 3 submitters: Benign (2); Likely benign (1). Last evaluated 2026-03-01.

Allele frequency attached by ClinVar (database versions not stated): gnomAD 0.00178 and 0.00196; 1000 Genomes Project 0.00180; TOPMed 0.00195; 1000 Genomes Project 30x 0.00219; gnomAD exomes 0.00018 and 0.00049; ExAC 0.00064; ESP Exome Variant Server 0.00173.
gnomAD v4.1: 551 of 1,587,484 alleles (0.035%); highest among the groups gnomAD compares: African/African-American, 0.64%; 5 homozygotes.

Submissions (3):

CeGaT Center for Human Genetics Tuebingen
Classification: Likely benign. Last evaluated: 2026-03-01. Review status: criteria provided, single submitter. Criteria: CeGaT Center For Human Genetics Tuebingen Variant Classification Criteria Version 2. Collection method: clinical testing. Allele origin: germline. Affected: yes. Observed: 1 variant allele.
Comment: ROBO1: BP4, BP7

Labcorp Genetics (formerly Invitae), Labcorp
Classification: Benign. Last evaluated: 2025-10-02. Review status: criteria provided, single submitter. Criteria: Invitae Variant Classification Sherloc (09022015). Collection method: clinical testing. Allele origin: germline.

Breakthrough Genomics
Classification: Benign. Review status: criteria provided, single submitter. Criteria: ACMG Guidelines, 2015. Collection method: not provided. Allele origin: germline. Inheritance: Unknown mechanism. Affected: yes.